The following is an entry in ClinVar:

ClinVar aggregate classification (germline): Uncertain significance (1 of 4 stars; one submission).

Submission:

Ambry Genetics
Classification: Uncertain significance. Last evaluated: 2023-03-12. Review status: criteria provided, single submitter. Criteria: Ambry Variant Classification Scheme 2023. Collection method: clinical testing. Allele origin: germline.
Comment: The p.Y175C variant (also known as c.524A>G), located in coding exon 6 of the PRKDC gene, results from an A to G substitution at nucleotide position 524. The tyrosine at codon 175 is replaced by cysteine, an amino acid with highly dissimilar properties. This amino acid position is conserved. In addition, this alteration is predicted to be deleterious by in silico analysis. Since supporting evidence is limited at this time, the clinical significance of this alteration remains unclear.

NM_006904.7(PRKDC):c.524A>G (p.Tyr175Cys)

Gene: PRKDC (protein kinase, DNA-activated, catalytic subunit; minus strand). Cytogenetic location: 8q11.21.
Variant type: single nucleotide variant.
Coding change: c.524A>G on transcript NM_006904.7 (MANE Select); coding-DNA position 524, A replaced by G.
Protein change: p.Tyr175Cys; replaces tyrosine 175 with cysteine.
Molecular consequence: missense variant.
Genome position (GRCh38, 1-based): chr8:47,953,904, T>C on the plus strand (A>G on the coding strand, the complement: PRKDC is on the minus strand). VCF-style: chr8-47953904-T-C. GRCh37 (hg19) VCF-style: chr8-48866464-T-C.
Other names: c.524A>G, p.Tyr175Cys (NM_001081640.2); short protein forms Y175C.
Identifiers: ClinVar variation 2497378 (VCV002497378.2), dbSNP rs2551881811, ClinGen allele CA371138907.
Genomic context (GRCh38, chr8:47,953,904, plus strand): 5'-TTTTCTGCATTATTTATCATCTCACTAGGATGAACTTCACCCAATAATCCTAGGAGCTCA[T>C]ATACTTTTTCTAAAACTGAAAAGAAAATTTTAGACAAGTGAAGGCCTCAAACTACATTTA-3'
Protein context (NP_008835.5, residues 165-185): KIPDTVLEKV[Tyr175Cys]ELLGLLGEVH